The following is an entry in ClinVar:

NM_001110556.2(FLNA):c.39A>G (p.Ala13=)

Gene: FLNA (filamin A; minus strand). Cytogenetic location: Xq28.
Variant type: single nucleotide variant.
Coding change: c.39A>G on transcript NM_001110556.2 (MANE Select); coding-DNA position 39, A replaced by G.
Protein change: p.Ala13=; no amino-acid change (alanine 13 retained).
Molecular consequence: synonymous variant.
Genome position (GRCh38, 1-based): chrX:154,371,207, T>C on the plus strand (A>G on the coding strand, the complement: FLNA is on the minus strand). VCF-style: chrX-154371207-T-C. GRCh37 (hg19) VCF-style: chrX-153599575-T-C.
Other names: c.39A>G, p.Ala13= (NM_001456.4).
Identifiers: ClinVar variation 389246 (VCV000389246.3), dbSNP rs782146314, ClinGen allele CA10561470.
Genomic context (GRCh38, chrX:154,371,207, plus strand): 5'-CTTCTCGGTGGCCGGCATCTCGGCGTCCCGCGTGTCGACGCCGCCGCCCGGAGCCGCGCC[T>C]GCTGCGCTCTGGCCCGCCCGAGAGTGGGAGCTACTCATTTTGAGGCGCGAGAAGCCGGGG-3'
Protein context (NP_001104026.1, residues 3-23): SSHSRAGQSA[Ala13=]GAAPGGGVDT

ClinVar aggregate classification (germline): Likely benign. Review status: criteria provided, multiple submitters, no conflicts (2 of 4 stars). 2 submissions from 2 submitters: Likely benign (2). Last evaluated 2020-02-02.

Conditions:
Familial thoracic aortic aneurysm and aortic dissection (TAAD). Also called: Thoracic aortic aneurysms and dissections. Identifiers: Orphanet 91387, MedGen C4707243, MONDO:0019625.

Allele frequency attached by ClinVar (database versions not stated): ExAC below 0.00001; gnomAD exomes below 0.00001.
gnomAD v4.1: 5 of 1,197,770 alleles (0.00042%); highest among the groups gnomAD compares: South Asian, 0.0036%; no homozygotes.

Submissions (2):

Ambry Genetics
Classification: Likely benign for Familial thoracic aortic aneurysm and aortic dissection. Last evaluated: 2020-02-02. Review status: criteria provided, single submitter. Criteria: Ambry Variant Classification Scheme 2023. Collection method: clinical testing. Allele origin: germline.

GeneDx
Classification: Likely benign. Last evaluated: 2016-09-08. Review status: criteria provided, single submitter. Criteria: GeneDx Variant Classification (06012015). Collection method: clinical testing. Allele origin: germline. Affected: yes.
Comment: This variant is considered likely benign or benign based on one or more of the following criteria: it is a conservative change, it occurs at a poorly conserved position in the protein, it is predicted to be benign by multiple in silico algorithms, and/or has population frequency not consistent with disease.